The following is an entry in ClinVar:

ClinVar aggregate classification (germline): Uncertain significance (1 of 4 stars; one submission).

Conditions:
Fanconi anemia complementation group O. Also called: RAD51C-Related Fanconi Anemia. Identifiers: Orphanet 84, MedGen C3150653, MONDO:0013248, OMIM 613390.

gnomAD v4.1: 1 of 1,613,164 alleles (0.000062%); highest among the groups gnomAD compares: African/African-American, 0.0013%; no homozygotes.

Submission:

Labcorp Genetics (formerly Invitae), Labcorp
Classification: Uncertain significance for Fanconi anemia complementation group O. Last evaluated: 2022-02-04. Review status: criteria provided, single submitter. Criteria: Invitae Variant Classification Sherloc (09022015). Collection method: clinical testing. Allele origin: germline.
Comment: Advanced modeling of protein sequence and biophysical properties (such as structural, functional, and spatial information, amino acid conservation, physicochemical variation, residue mobility, and thermodynamic stability) performed at Invitae indicates that this missense variant is expected to disrupt RAD51C protein function. This variant has not been reported in the literature in individuals affected with RAD51C-related conditions. This variant is not present in population databases (gnomAD no frequency). This sequence change replaces alanine, which is neutral and non-polar, with threonine, which is neutral and polar, at codon 308 of the RAD51C protein (p.Ala308Thr). In summary, the available evidence is currently insufficient to determine the role of this variant in disease. Therefore, it has been classified as a Variant of Uncertain Significance.

NM_058216.3(RAD51C):c.922G>A (p.Ala308Thr)

Gene: RAD51C (RAD51 paralog C; plus strand). Cytogenetic location: 17q22.
Variant type: single nucleotide variant.
Coding change: c.922G>A on transcript NM_058216.3 (MANE Select); coding-DNA position 922, G replaced by A.
Protein change: p.Ala308Thr; replaces alanine 308 with threonine.
Molecular consequence: missense variant. On other transcripts: non-coding transcript variant (1).
Genome position (GRCh38, 1-based): chr17:58,724,057, G>A. VCF-style: chr17-58724057-G-A. GRCh37 (hg19) VCF-style: chr17-56801418-G-A.
Other names: c.*350G>A (NM_058217.1); short protein forms A308T.
Identifiers: ClinVar variation 2160894 (VCV002160894.4), dbSNP rs185057307, ClinGen allele CA8677362.